The following is an entry in ClinVar:

ClinVar aggregate classification (germline): Benign/Likely benign. Review status: criteria provided, multiple submitters, no conflicts (2 of 4 stars). 9 submissions from 9 submitters: Benign (2); Likely benign (6). 1 of the submissions does not count toward it. Last evaluated 2026-07-01.

Conditions:
COL3A1-related disorder. Also called: COL3A1-related condition.
Familial thoracic aortic aneurysm and aortic dissection (TAAD). Also called: Thoracic aortic aneurysms and dissections. Identifiers: Orphanet 91387, MedGen C4707243, MONDO:0019625.
Ehlers-Danlos syndrome, type 4 (EDSVASC). Also called: Ehlers-Danlos syndrome vascular type; Ehlers Danlos syndrome, ecchymotic type; Ehlers Danlos syndrome, arterial type; Ehlers Danlos syndrome, Sack-Barabas type; Ehlers-Danlos Syndrome Type IV. Identifiers: Orphanet 286, MedGen C0268338, MONDO:0017314, OMIM 130050.

Allele frequency attached by ClinVar (database versions not stated): ESP Exome Variant Server 0.00008; ExAC 0.00009; gnomAD exomes 0.00009 and 0.00017; 1000 Genomes Project 30x 0.00016; 1000 Genomes Project 0.00020; gnomAD 0.00040 and 0.00045; TOPMed 0.00097.
gnomAD v4.1: 130 of 1,614,194 alleles (0.0081%); highest among the groups gnomAD compares: Admixed American, 0.18%; 1 homozygote.

Submissions (9):

CeGaT Center for Human Genetics Tuebingen
Classification: Likely benign. Last evaluated: 2026-07-01. Review status: criteria provided, single submitter. Criteria: CeGaT Center For Human Genetics Tuebingen Variant Classification Criteria Version 2. Collection method: clinical testing. Allele origin: germline. Affected: yes. Observed: 2 variant alleles.
Comment: COL3A1: BP4, BP7

Labcorp Genetics (formerly Invitae), Labcorp
Classification: Likely benign for Ehlers-Danlos syndrome, type 4. Last evaluated: 2026-01-02. Review status: criteria provided, single submitter. Criteria: Invitae Variant Classification Sherloc (09022015). Collection method: clinical testing. Allele origin: germline.

Blueprint Genetics
Classification: Likely benign. Last evaluated: 2024-03-04. Review status: criteria provided, single submitter. Criteria: ACMG Guidelines, 2015. Collection method: clinical testing. Allele origin: germline.

All of Us Research Program, National Institutes of Health
Classification: Likely benign for Ehlers-Danlos syndrome, type 4. Last evaluated: 2024-02-05. Review status: criteria provided, single submitter. Criteria: ACMG Guidelines, 2015. Collection method: clinical testing. Allele origin: germline. Inheritance: Autosomal dominant inheritance. Observed: 50 variant alleles, 49 heterozygotes, 1 homozygote.
Comment: This study involves interpretation of variants in research participants for the purpose of population health screening. Participant phenotype was not available at the time of variant classification. Additional details can be found in publication PMID: 35346344, PMCID: PMC8962531

Women's Health and Genetics/Laboratory Corporation of America, LabCorp
Classification: Benign. Last evaluated: 2023-02-05. Review status: criteria provided, single submitter. Criteria: LabCorp Variant Classification Summary - May 2015. Collection method: clinical testing. Allele origin: germline.

Color Diagnostics, LLC DBA Color Health
Classification: Likely benign for Familial thoracic aortic aneurysm and aortic dissection. Last evaluated: 2018-11-08. Review status: criteria provided, single submitter. Criteria: ACMG Guidelines, 2015. Collection method: clinical testing. Allele origin: germline.

GeneDx
Classification: Benign. Last evaluated: 2016-03-29. Review status: criteria provided, single submitter. Criteria: GeneDx Variant Classification (06012015). Collection method: clinical testing. Allele origin: germline. Affected: yes.
Comment: This variant is considered likely benign or benign based on one or more of the following criteria: it is a conservative change, it occurs at a poorly conserved position in the protein, it is predicted to be benign by multiple in silico algorithms, and/or has population frequency not consistent with disease.

Ambry Genetics
Classification: Likely benign for Familial thoracic aortic aneurysm and aortic dissection. Last evaluated: 2014-09-30. Review status: criteria provided, single submitter. Criteria: Ambry Variant Classification Scheme 2023. Collection method: clinical testing. Allele origin: germline.

PreventionGenetics, part of Exact Sciences
Classification: Likely benign for COL3A1-related condition. Last evaluated: 2020-02-17. Review status: no assertion criteria provided. Collection method: clinical testing. Allele origin: germline. Not counted in ClinVar's aggregate classification.
Comment: This variant is classified as likely benign based on ACMG/AMP sequence variant interpretation guidelines (Richards et al. 2015 PMID: 25741868, with internal and published modifications).

NM_000090.4(COL3A1):c.1476A>C (p.Gly492=)

Gene: COL3A1 (collagen type III alpha 1 chain; plus strand). Cytogenetic location: 2q32.2.
Variant type: single nucleotide variant.
Coding change: c.1476A>C on transcript NM_000090.4 (MANE Select); coding-DNA position 1476, A replaced by C.
Protein change: p.Gly492=; no amino-acid change (glycine 492 retained).
Molecular consequence: synonymous variant.
Genome position (GRCh38, 1-based): chr2:188,995,066, A>C. VCF-style: chr2-188995066-A-C. GRCh37 (hg19) VCF-style: chr2-189859792-A-C.
Identifiers: ClinVar variation 263861 (VCV000263861.29), dbSNP rs111683983, ClinGen allele CA074368.